The following is an entry in ClinVar:

NM_001184.4(ATR):c.1582C>G (p.Pro528Ala)

Gene: ATR (ATR serine/threonine kinase; minus strand). Cytogenetic location: 3q23.
Variant type: single nucleotide variant.
Coding change: c.1582C>G on transcript NM_001184.4 (MANE Select); coding-DNA position 1582, C replaced by G.
Protein change: p.Pro528Ala; replaces proline 528 with alanine.
Molecular consequence: missense variant.
Genome position (GRCh38, 1-based): chr3:142,559,401, G>C on the plus strand (C>G on the coding strand, the complement: ATR is on the minus strand). VCF-style: chr3-142559401-G-C. GRCh37 (hg19) VCF-style: chr3-142278243-G-C.
Other names: c.1390C>G, p.Pro464Ala (NM_001354579.2); short protein forms P464A, P528A.
Identifiers: ClinVar variation 3462795 (VCV003462795.1).

ClinVar aggregate classification (germline): Uncertain significance (1 of 4 stars; one submission).

Conditions:
Inborn genetic diseases. Identifiers: MedGen C0950123, MeSH D030342.

Submission:

Ambry Genetics
Classification: Uncertain significance for Inborn genetic diseases. Last evaluated: 2024-09-24. Review status: criteria provided, single submitter. Criteria: Ambry Variant Classification Scheme 2023. Collection method: clinical testing. Allele origin: germline.
Comment: The p.P528A variant (also known as c.1582C>G), located in coding exon 7 of the ATR gene, results from a C to G substitution at nucleotide position 1582. The proline at codon 528 is replaced by alanine, an amino acid with highly similar properties. This amino acid position is conserved. In addition, this alteration is predicted to be tolerated by in silico analysis. Based on the available evidence, the clinical significance of this variant remains unclear.